The following is an entry in ClinVar:

ClinVar aggregate classification (germline): Benign/Likely benign. Review status: criteria provided, multiple submitters, no conflicts (2 of 4 stars). 7 submissions from 7 submitters: Benign (6); Likely benign (1). Last evaluated 2026-01-31.

Conditions:
Chondrodysplasia punctata, brachytelephalangic, autosomal. Also called: BRACHYTELEPHALANGIC CHONDRODYSPLASIA PUNCTATA. Identifiers: MedGen C1844853, MONDO:0011238, OMIM 602497.
Connective tissue disorder. Also called: Connective tissue disease. Identifiers: MedGen C0009782, MONDO:0003900.
X-linked chondrodysplasia punctata 1 (CDPX1). Also called: Chondrodysplasia punctata, X-linked recessive; CHONDRODYSPLASIA PUNCTATA, BRACHYTELEPHALANGIC. Identifiers: Orphanet 79345, MedGen C3669395, MONDO:0010555, OMIM 302950.

Allele frequency attached by ClinVar (database versions not stated): gnomAD exomes 0.00364 and 0.00426; ExAC 0.00527; 1000 Genomes Project 0.01033; 1000 Genomes Project 30x 0.01165; gnomAD 0.01293 and 0.01378; TOPMed 0.01407; ESP Exome Variant Server 0.01600.
gnomAD v4.1: 5,419 of 1,209,010 alleles (0.45%); highest among the groups gnomAD compares: African/African-American, 4%; 46 homozygotes.

Submissions (7):

Labcorp Genetics (formerly Invitae), Labcorp
Classification: Benign for Chondrodysplasia punctata, brachytelephalangic, autosomal. Last evaluated: 2026-01-31. Review status: criteria provided, single submitter. Criteria: Invitae Variant Classification Sherloc (09022015). Collection method: clinical testing. Allele origin: germline.

ARUP Laboratories, Molecular Genetics and Genomics, ARUP Laboratories
Classification: Benign for X-linked chondrodysplasia punctata 1. Last evaluated: 2023-11-28. Review status: criteria provided, single submitter. Criteria: ARUP Molecular Germline Variant Investigation Process 2024. Collection method: clinical testing. Allele origin: germline.

Genome Diagnostics Laboratory, The Hospital for Sick Children
Classification: Likely benign for Connective tissue disorder. Last evaluated: 2019-01-01. Review status: criteria provided, single submitter. Criteria: ACMG Guidelines, 2015. Collection method: clinical testing. Allele origin: germline.

GeneDx
Classification: Benign. Last evaluated: 2017-11-13. Review status: criteria provided, single submitter. Criteria: GeneDx Variant Classification (06012015). Collection method: clinical testing. Allele origin: germline. Affected: yes.
Comment: This variant is considered likely benign or benign based on one or more of the following criteria: it is a conservative change, it occurs at a poorly conserved position in the protein, it is predicted to be benign by multiple in silico algorithms, and/or has population frequency not consistent with disease.

Center for Pediatric Genomic Medicine, Children's Mercy Hospital and Clinics
Classification: Benign. Last evaluated: 2015-06-04. Review status: criteria provided, single submitter. Criteria: ACMG Guidelines, 2015. Collection method: clinical testing. Allele origin: germline.

Genetic Services Laboratory, University of Chicago
Classification: Benign. Last evaluated: 2013-02-08. Review status: criteria provided, single submitter. Criteria: ACMG Guidelines, 2007. Collection method: clinical testing. Allele origin: germline. Inheritance: X-linked inheritance.

Breakthrough Genomics
Classification: Benign. Review status: criteria provided, single submitter. Criteria: ACMG Guidelines, 2015. Collection method: not provided. Allele origin: germline. Inheritance: X-linked inheritance. Affected: yes.

NM_000047.3(ARSL):c.548G>A (p.Arg183His)

Gene: ARSL (arylsulfatase L; minus strand). Cytogenetic location: Xp22.33.
Variant type: single nucleotide variant.
Coding change: c.548G>A on transcript NM_000047.3 (MANE Select); coding-DNA position 548, G replaced by A.
Protein change: p.Arg183His; replaces arginine 183 with histidine.
Molecular consequence: missense variant.
Genome position (GRCh38, 1-based): chrX:2,949,610, C>T on the plus strand (G>A on the coding strand, the complement: ARSL is on the minus strand). VCF-style: chrX-2949610-C-T. GRCh37 (hg19) VCF-style: chrX-2867651-C-T.
Other names: c.623G>A, p.Arg208His (NM_001282628.2, NM_001369080.1); c.386G>A, p.Arg129His (NM_001282631.2); c.575G>A, p.Arg192His (NM_001369079.1); short protein forms R183H, R129H, R192H, R208H.
Identifiers: ClinVar variation 157734 (VCV000157734.28), dbSNP rs34412194, ClinGen allele CA171130.
Genomic context (GRCh38, chrX:2,949,610, plus strand): 5'-ACTTGGAAGAGGAAGTTGAGTTTTTGTTCCAGGTTGACACGCTTCTCTGAGAGTTCCCAG[C>T]GGGCGCAATCACCCATCAAGGAGAAAGGCATTCCGTAGAAATGGTCAAAGCCATGATGGA-3'
Protein context (NP_000038.2, residues 173-193): MPFSLMGDCA[Arg183His]WELSEKRVNL